The following is an entry in ClinVar:

NM_033100.4(CDHR1):c.1058T>G (p.Phe353Cys)

Gene: CDHR1 (cadherin related family member 1; plus strand). Cytogenetic location: 10q23.1.
Variant type: single nucleotide variant.
Coding change: c.1058T>G on transcript NM_033100.4 (MANE Select); coding-DNA position 1058, T replaced by G.
Protein change: p.Phe353Cys; replaces phenylalanine 353 with cysteine.
Molecular consequence: missense variant.
Genome position (GRCh38, 1-based): chr10:84,208,268, T>G. VCF-style: chr10-84208268-T-G. GRCh37 (hg19) VCF-style: chr10-85968024-T-G.
Other names: c.1058T>G, p.Phe353Cys (NM_001171971.3); short protein forms F353C.
Identifiers: ClinVar variation 1525041 (VCV001525041.8), dbSNP rs771316043, ClinGen allele CA377374612.

ClinVar aggregate classification (germline): Uncertain significance (1 of 4 stars; one submission).

gnomAD v4.1: 3 of 1,613,954 alleles (0.00019%); highest among the groups gnomAD compares: African/African-American, 0.0013%; no homozygotes.

Submission:

Labcorp Genetics (formerly Invitae), Labcorp
Classification: Uncertain significance. Last evaluated: 2024-01-02. Review status: criteria provided, single submitter. Criteria: Invitae Variant Classification Sherloc (09022015). Collection method: clinical testing. Allele origin: germline.
Comment: This sequence change replaces phenylalanine, which is neutral and non-polar, with cysteine, which is neutral and slightly polar, at codon 353 of the CDHR1 protein (p.Phe353Cys). This variant is not present in population databases (gnomAD no frequency). This variant has not been reported in the literature in individuals affected with CDHR1-related conditions. ClinVar contains an entry for this variant (Variation ID: 1525041). Advanced modeling of protein sequence and biophysical properties (such as structural, functional, and spatial information, amino acid conservation, physicochemical variation, residue mobility, and thermodynamic stability) performed at Invitae indicates that this missense variant is not expected to disrupt CDHR1 protein function with a negative predictive value of 80%. In summary, the available evidence is currently insufficient to determine the role of this variant in disease. Therefore, it has been classified as a Variant of Uncertain Significance.